The following is an entry in ClinVar:

ClinVar aggregate classification (germline): Conflicting classifications of pathogenicity. Review status: criteria provided, conflicting classifications (1 of 4 stars). 3 submissions from 3 submitters: Uncertain significance (1); Likely benign (2). Last evaluated 2021-10-01.

Conditions:
Familial melanoma. Also called: Hereditary melanoma; Hereditary cutaneous melanoma. Identifiers: Orphanet 618, MedGen C1512419, MONDO:0018961.
Hereditary cancer-predisposing syndrome. Also called: Hereditary neoplastic syndrome; Tumor predisposition; Neoplastic Syndromes, Hereditary; Hereditary Cancer Syndrome. Identifiers: Orphanet 140162, MedGen C0027672, MeSH D009386, MONDO:0015356.

gnomAD v4.1: 1 of 1,604,194 alleles (0.000062%); highest among the groups gnomAD compares: Non-Finnish European, 0.000085%; no homozygotes.

Submissions (3):

Labcorp Genetics (formerly Invitae), Labcorp
Classification: Uncertain significance for Familial melanoma. Last evaluated: 2021-10-01. Review status: criteria provided, single submitter. Criteria: Invitae Variant Classification Sherloc (09022015). Collection method: clinical testing. Allele origin: germline.
Comment: This sequence change replaces arginine with cysteine at codon 96 of the CDKN2A (p14ARF) protein (p.Arg96Cys). The arginine residue is weakly conserved and there is a large physicochemical difference between arginine and cysteine. This variant is not present in population databases (ExAC no frequency). This variant has not been reported in the literature in individuals affected with CDKN2A (p14ARF)-related conditions. ClinVar contains an entry for this variant (Variation ID: 532271). Algorithms developed to predict the effect of missense changes on protein structure and function (SIFT, PolyPhen-2, Align-GVGD) all suggest that this variant is likely to be tolerated. In summary, the available evidence is currently insufficient to determine the role of this variant in disease. Therefore, it has been classified as a Variant of Uncertain Significance.

Ambry Genetics
Classification: Likely benign for Hereditary cancer-predisposing syndrome. Last evaluated: 2021-04-11. Review status: criteria provided, single submitter. Criteria: Ambry Variant Classification Scheme 2023. Collection method: clinical testing. Allele origin: germline.

Color Diagnostics, LLC DBA Color Health
Classification: Likely benign for Hereditary cancer-predisposing syndrome. Last evaluated: 2019-04-23. Review status: criteria provided, single submitter. Criteria: ACMG Guidelines, 2015. Collection method: clinical testing. Allele origin: germline.

NM_000077.5(CDKN2A):c.243C>T (p.Pro81=)

Gene: CDKN2A (cyclin dependent kinase inhibitor 2A; minus strand). Cytogenetic location: 9p21.3.
Variant type: single nucleotide variant.
Coding change: c.243C>T on transcript NM_000077.5; coding-DNA position 243, C replaced by T.
Protein change: p.Pro81=; no amino-acid change (proline 81 retained).
Molecular consequence: synonymous variant (on NM_000077.6). On other transcripts: missense variant (1), 3 prime UTR variant (1).
Genome position (GRCh38, 1-based): chr9:21,971,116, G>A on the plus strand (C>T on the coding strand, the complement: CDKN2A is on the minus strand). VCF-style: chr9-21971116-G-A. GRCh37 (hg19) VCF-style: chr9-21971115-G-A.
Other names: c.243C>T, p.Pro81= (NM_000077.6, NM_001195132.2); c.90C>T, p.Pro30= (NM_001363763.2); c.286C>T, p.Arg96Cys (NM_058195.4); c.*166C>T (NM_058197.5); short protein forms R96C.
Identifiers: ClinVar variation 532271 (VCV000532271.8), dbSNP rs1060504185, ClinGen allele CA373086243.
Genomic context (GRCh38, chr9:21,971,116, plus strand): 5'-CCCGGCCCGGTGCAGCACCACCAGCGTGTCCAGGAAGCCCTCCCGGGCAGCGTCGTGCAC[G>A]GGTCGGGTGAGAGTGGCGGGGTCGGCGCAGTTGGGCTCCGCGCCGTGGAGCAGCAGCAGC-3'
Protein context (NP_000068.1, residues 71-91): NCADPATLTR[Pro81=]VHDAAREGFL